The following is an entry in ClinVar:

NM_005592.4(MUSK):c.300G>A (p.Thr100=)

Gene: MUSK (muscle associated receptor tyrosine kinase; plus strand). Cytogenetic location: 9q31.3.
Variant type: single nucleotide variant.
Coding change: c.300G>A on transcript NM_005592.4 (MANE Select); coding-DNA position 300, G replaced by A.
Protein change: p.Thr100=; no amino-acid change (threonine 100 retained).
Molecular consequence: synonymous variant.
Genome position (GRCh38, 1-based): chr9:110,687,210, G>A. VCF-style: chr9-110687210-G-A. GRCh37 (hg19) VCF-style: chr9-113449490-G-A.
Other names: c.300G>A, p.Thr100= (NM_001166280.2, NM_001166281.2).
Identifiers: ClinVar variation 476145 (VCV000476145.39), dbSNP rs180928221, ClinGen allele CA5183978.

ClinVar aggregate classification (germline): Conflicting classifications of pathogenicity. Review status: criteria provided, conflicting classifications (1 of 4 stars). 5 submissions from 5 submitters: Uncertain significance (1); Likely benign (4). Last evaluated 2026-09-01.

Conditions:
Fetal akinesia deformation sequence 1 (FADS1). Also called: Pena-Shokeir syndrome type I; Fetal akinesia sequence. Identifiers: Orphanet 994, MedGen C1276035, MONDO:0100101, OMIM 208150, HP:0001989.
Congenital myasthenic syndrome 9. Also called: Myasthenic syndrome, congenital, 9, associated with acetylcholine receptor deficiency. Identifiers: Orphanet 590, MedGen C4225368, MONDO:0014587, OMIM 616325.
MUSK-related disorder. Also called: MUSK-related disorders; MUSK-related condition.

Allele frequency attached by ClinVar (database versions not stated): ESP Exome Variant Server 0.00008; TOPMed 0.00032; gnomAD 0.00034 and 0.00037; 1000 Genomes Project 0.00100; 1000 Genomes Project 30x 0.00141.

Submissions (5):

CeGaT Center for Human Genetics Tuebingen
Classification: Likely benign. Last evaluated: 2026-09-01. Review status: criteria provided, single submitter. Criteria: CeGaT Center For Human Genetics Tuebingen Variant Classification Criteria Version 2. Collection method: clinical testing. Allele origin: germline. Affected: yes. Observed: 3 variant alleles.
Comment: MUSK: BP4, BP7

Labcorp Genetics (formerly Invitae), Labcorp
Classification: Likely benign for Congenital myasthenic syndrome 9; Fetal akinesia deformation sequence 1. Last evaluated: 2026-01-22. Review status: criteria provided, single submitter. Criteria: Invitae Variant Classification Sherloc (09022015). Collection method: clinical testing. Allele origin: germline.

PreventionGenetics, part of Exact Sciences
Classification: Likely benign for MUSK-related condition. Last evaluated: 2025-01-02. Review status: criteria provided, single submitter. Criteria: ACMG Guidelines, 2015. Collection method: clinical testing. Allele origin: germline.
Comment: This variant is classified as likely benign based on ACMG/AMP sequence variant interpretation guidelines (Richards et al. 2015 PMID: 25741868, with internal and published modifications).

GeneDx
Classification: Likely benign. Last evaluated: 2017-08-17. Review status: criteria provided, single submitter. Criteria: GeneDx Variant Classification (06012015). Collection method: clinical testing. Allele origin: germline. Affected: yes.
Comment: This variant is considered likely benign or benign based on one or more of the following criteria: it is a conservative change, it occurs at a poorly conserved position in the protein, it is predicted to be benign by multiple in silico algorithms, and/or has population frequency not consistent with disease.

Illumina Laboratory Services, Illumina
Classification: Uncertain significance for Congenital myasthenic syndrome 9. Last evaluated: 2017-04-27. Review status: criteria provided, single submitter. Criteria: ICSL Variant Classification Criteria 13 December 2019. Collection method: clinical testing. Allele origin: germline.